The following is an entry in ClinVar:

NM_005215.4(DCC):c.1862-1G>C

Gene: DCC (DCC netrin 1 receptor; plus strand). Cytogenetic location: 18q21.2.
Variant type: single nucleotide variant.
Coding change: c.1862-1G>C on transcript NM_005215.4 (MANE Select); the canonical splice acceptor site of the intron before coding-DNA position 1862, G replaced by C.
Molecular consequence: splice acceptor variant.
Genome position (GRCh38, 1-based): chr18:53,215,547, G>C. VCF-style: chr18-53215547-G-C. GRCh37 (hg19) VCF-style: chr18-50741917-G-C.
Identifiers: ClinVar variation 4884194 (VCV004884194.2).

ClinVar aggregate classification (germline): Likely pathogenic (1 of 4 stars; one submission).

Submission:

Dasa
Classification: Likely pathogenic. Last evaluated: 2025-04-09. Review status: criteria provided, single submitter. Criteria: DASA Assertion Criteria. Collection method: clinical testing. Allele origin: germline.
Comment: NM_005215.4(DCC):c.1862-1G>C affects a canonical splice site and is predicted to disrupt normal RNA splicing. Loss of function is an established disease mechanism for DCC-associated disorders. Also, this variant is absent from population databases. Based on the currently available evidence, this variant is classified as likely pathogenic.